The following is an entry in ClinVar:

ClinVar aggregate classification (germline): Uncertain significance. Review status: criteria provided, multiple submitters, no conflicts (2 of 4 stars). 2 submissions from 2 submitters: Uncertain significance (2). Last evaluated 2026-09-02.

Conditions:
TTN-related disorder. Also called: TTN-related condition; TTN-related disease; TTN-related disorders.

gnomAD v4.1: 10 of 1,613,294 alleles (0.00062%); highest among the groups gnomAD compares: African/African-American, 0.013%; no homozygotes.

Submissions (2):

PreventionGenetics, part of Exact Sciences
Classification: Uncertain significance for TTN-related condition. Last evaluated: 2026-09-02. Review status: criteria provided, single submitter. Criteria: ACMG Guidelines, 2015. Collection method: clinical testing. Allele origin: germline.
Comment: The TTN c.62447C>G variant is predicted to result in the amino acid substitution p.Pro20816Arg. To our knowledge, this variant has not been reported in the literature. This variant is reported in 0.021% of alleles in individuals of African descent in gnomAD. At this time, the clinical significance of this variant is uncertain due to the absence of conclusive functional and genetic evidence.

Women's Health and Genetics/Laboratory Corporation of America, LabCorp
Classification: Uncertain significance. Last evaluated: 2025-09-15. Review status: criteria provided, single submitter. Criteria: LabCorp Variant Classification Summary - May 2015. Collection method: clinical testing. Allele origin: germline.

NM_001267550.2(TTN):c.62447C>G (p.Pro20816Arg)

Genes: TTN (titin; minus strand), TTN-AS1 (TTN antisense RNA 1; plus strand). Cytogenetic location: 2q31.2.
Variant type: single nucleotide variant.
Coding change: c.62447C>G on transcript NM_001267550.2 (MANE Select); coding-DNA position 62447, C replaced by G.
Protein change: p.Pro20816Arg; replaces proline 20816 with arginine.
Molecular consequence: missense variant.
Genome position (GRCh38, 1-based): chr2:178,589,278, G>C on the plus strand (C>G on the coding strand, the complement: TTN is on the minus strand). VCF-style: chr2-178589278-G-C. GRCh37 (hg19) VCF-style: chr2-179454005-G-C.
Other names: c.35252C>G, p.Pro11751Arg (NM_003319.4); c.54743C>G, p.Pro18248Arg (NM_133378.4); c.35627C>G, p.Pro11876Arg (NM_133432.3); c.35828C>G, p.Pro11943Arg (NM_133437.4); c.57524C>G, p.Pro19175Arg (NM_001256850.1); short protein forms P11751R, P11876R, P11943R, P18248R, P19175R, P20816R.
Identifiers: ClinVar variation 4535540 (VCV004535540.2).